The following is an entry in ClinVar:

NM_001218.5(CA12):c.863_864insACCT (p.Phe289fs)

Gene: CA12 (carbonic anhydrase 12; minus strand). Cytogenetic location: 15q22.2.
Variant type: Insertion.
Coding change: c.863_864insACCT on transcript NM_001218.5 (MANE Select); coding-DNA positions 863 to 864, ACCT inserted.
Protein change: p.Phe289fs; shifts the reading frame from phenylalanine 289.
Molecular consequence: frameshift variant. On other transcripts: non-coding transcript variant (1).
Genome position: GRCh38 VCF-style: chr15-63338829-G-GAGGT. GRCh37 (hg19) VCF-style: chr15-63631028-G-GAGGT.
Other names: c.683_684insACCT, p.Phe229fs (NM_001293642.2); c.863_864insACCT, p.Phe289fs (NM_206925.3); short protein forms F289fs, F229fs.
Identifiers: ClinVar variation 973947 (VCV000973947.2), dbSNP rs2039037448, ClinGen allele CA1139664025.
Genomic context (GRCh38, chr15:63,338,829, plus strand): 5'-CTTGGCACCACACTCCCGCACCCCCTCCCCCCAGCACTGCCTCTCCTCACCTTGGGAGAA[G>GAGGT]GAGGTGTATACCAGCCTCTCATCGAACTTCTGGACCTGCCGGAAGTTGTTGATCATTTCT-3'

ClinVar aggregate classification (germline): Uncertain significance (1 of 4 stars; one submission).

Conditions:
Isolated hyperchlorhidrosis. Identifiers: Orphanet 542657, MedGen C1840437, MONDO:0007747, OMIM 143860.

Submission:

Baylor-Hopkins Center for Mendelian Genomics, Johns Hopkins University School of Medicine
Classification: Uncertain significance for Isolated hyperchlorhidrosis. Review status: criteria provided, single submitter. Criteria: ACMG Guidelines, 2015. Collection method: research. Allele origin: somatic. Inheritance: Autosomal recessive inheritance. Affected: yes. Observed: 2 variant alleles, 1 compound heterozygote.
Comment: Compound Heterozygote